The following is an entry in ClinVar:

NM_007294.4(BRCA1):c.81T>C (p.Cys27=)

Gene: BRCA1 (BRCA1 DNA repair associated; minus strand). Cytogenetic location: 17q21.31.
Variant type: single nucleotide variant.
Coding change: c.81T>C on transcript NM_007294.4 (MANE Select); coding-DNA position 81, T replaced by C.
Protein change: p.Cys27=; no amino-acid change (cysteine 27 retained).
Molecular consequence: synonymous variant. On other transcripts: 5 prime UTR variant (132), intron variant (41).
Genome position (GRCh38, 1-based): chr17:43,115,779, A>G on the plus strand (T>C on the coding strand, the complement: BRCA1 is on the minus strand). VCF-style: chr17-43115779-A-G. GRCh37 (hg19) VCF-style: chr17-41267796-A-G.
Other names: C27C; 200T>C; c.81T>C, p.Cys27= (NM_001407977.1, NM_001407978.1, NM_001407979.1 and 192 more transcripts); c.-61T>C (NM_001408410.1, NM_001408452.1, NM_001408453.1 and 47 more transcripts); c.-177T>C (NM_001408455.1, NM_001408456.1, NM_001408468.1 and 13 more transcripts); c.-181T>C (NM_001408465.1, NM_001407695.1); c.-108T>C (NM_001408478.1, NM_001408479.1, NM_001408480.1 and 52 more transcripts); c.-224T>C (NM_001408492.1, NM_001407889.1, NM_001407900.1); and 12 more.
Identifiers: ClinVar variation 136093 (VCV000136093.26), dbSNP rs587780805, ClinGen allele CA003918.
Genomic context (GRCh38, chr17:43,115,779, plus strand): 5'-AACTTACTTGCAAAATATGTGGTCACACTTTGTGGAGACAGGTTCCTTGATCAACTCCAG[A>G]CTAGCAGGGTAGGGGGGGAGAAAAAGAAAATAAATGAGGCTCAATAATTTATTTAAAAAT-3'
Protein context (NP_009225.1, residues 17-37): AMQKILECPI[Cys27=]LELIKEPVST

ClinVar aggregate classification (germline): Likely benign. Review status: criteria provided, multiple submitters, no conflicts (2 of 4 stars). 6 submissions from 6 submitters: Likely benign (4). 2 of the submissions do not count toward it. Last evaluated 2025-11-09.

Conditions:
Hereditary cancer-predisposing syndrome. Also called: Tumor predisposition; Hereditary neoplastic syndrome; Hereditary Cancer Syndrome; Neoplastic Syndromes, Hereditary. Identifiers: Orphanet 140162, MedGen C0027672, MeSH D009386, MONDO:0015356.
Hereditary breast ovarian cancer syndrome. Also called: Hereditary breast and/or ovarian cancer syndrome; Breast and ovarian cancer; Hereditary breast and ovarian cancer syndrome; Hereditary breast and ovarian cancer; Hereditary breast and ovarian cancer syndrome (HBOC); BRCA1- and BRCA2-Associated Hereditary Breast and Ovarian Cancer. Identifiers: Orphanet 145, MedGen C0677776, MeSH D061325, MONDO:0003582. Disease mechanism: loss of function.
Breast-ovarian cancer, familial, susceptibility to, 1 (BROVCA1). Also called: BRCA1 Hereditary Breast and Ovarian Cancer; OVARIAN CANCER, SUSCEPTIBILITY TO. Identifiers: Orphanet 145, MedGen C2676676, MONDO:0011450, OMIM 604370. Disease mechanism: loss of function.

Allele frequency attached by ClinVar (database versions not stated): gnomAD exomes below 0.00001.
gnomAD v4.1: 3 of 1,613,410 alleles (0.00019%); highest among the groups gnomAD compares: Non-Finnish European, 0.00025%; no homozygotes.

Submissions (7):

Labcorp Genetics (formerly Invitae), Labcorp
Classification: Likely benign for Hereditary breast ovarian cancer syndrome. Last evaluated: 2025-11-09. Review status: criteria provided, single submitter. Criteria: Invitae Variant Classification Sherloc (09022015). Collection method: clinical testing. Allele origin: germline.

Quest Diagnostics Nichols Institute San Juan Capistrano
Classification: Likely benign. Last evaluated: 2020-08-18. Review status: criteria provided, single submitter. Criteria: Quest Diagnostics criteria. Collection method: clinical testing. Allele origin: unknown.

Color Diagnostics, LLC DBA Color Health
Classification: Likely benign for Hereditary cancer-predisposing syndrome. Last evaluated: 2016-06-30. Review status: criteria provided, single submitter. Criteria: ACMG Guidelines, 2015. Collection method: clinical testing. Allele origin: germline.

Ambry Genetics
Classification: Likely benign for Hereditary cancer-predisposing syndrome. Last evaluated: 2014-10-31. Review status: criteria provided, single submitter. Criteria: Ambry Variant Classification Scheme 2023. Collection method: clinical testing. Allele origin: germline.

King Laboratory, University of Washington
Classification: Benign. Last evaluated: 2019-09-01. Review status: no assertion criteria provided. Collection method: research. Allele origin: germline. Affected: yes. Not counted in ClinVar's aggregate classification.
Comment: Transcript analysis by cBROCA

Sharing Clinical Reports Project (SCRP)
Classification: Likely benign for Breast-ovarian cancer, familial 1. Last evaluated: 2013-05-28. Review status: no assertion criteria provided. Collection method: clinical testing. Allele origin: germline. Not counted in ClinVar's aggregate classification.

Brotman Baty Institute, University of Washington
No classification provided (evidence only). Condition: Breast-ovarian cancer, familial 1. Review status: no classification provided. Collection method: in vitro. Allele origin: not applicable. Functional consequence: functionally_normal. Not counted in ClinVar's aggregate classification.
ClinVar note: "not provided" was previously submitted as the classification for the variant. However, the classification appeared to be based only on an observation of functional data so it was converted to no classification on 2025-07-30.

Literature cited by the submitters: PubMed 30209399 (cited by Quest Diagnostics Nichols Institute San Juan Capistrano); PubMed 31843900 (cited by Quest Diagnostics Nichols Institute San Juan Capistrano and King Laboratory, University of Washington).